The following is an entry in ClinVar:

ClinVar aggregate classification (germline): Uncertain significance (1 of 4 stars; one submission).

Conditions:
Hereditary hyperferritinemia with congenital cataracts. Also called: Hereditary hyperferritinemia cataract syndrome; Bonneau-Beaumont syndrome; HYPERFERRITINEMIA WITH OR WITHOUT CATARACT. Identifiers: Orphanet 163, MedGen C1833213, MONDO:0010952, OMIM 600886.
Neuroferritinopathy (NBIA3). Also called: NEURODEGENERATION WITH BRAIN IRON ACCUMULATION 3; BASAL GANGLIA DISEASE, ADULT-ONSET. Identifiers: Orphanet 157846, MedGen C1853578, MONDO:0011638, OMIM 606159.

Allele frequency attached by ClinVar (database versions not stated): gnomAD 0.00011 and 0.00012; gnomAD exomes 0.00012.
gnomAD v4.1: 75 of 650,672 alleles (0.012%); highest among the groups gnomAD compares: Middle Eastern, 0.041%; no homozygotes.

Submission:

Labcorp Genetics (formerly Invitae), Labcorp
Classification: Uncertain significance for Neuroferritinopathy; Hereditary hyperferritinemia with congenital cataracts. Last evaluated: 2026-01-26. Review status: criteria provided, single submitter. Criteria: Invitae Variant Classification Sherloc (09022015). Collection method: clinical testing. Allele origin: germline.
Comment: This variant occurs in a non-coding region of the FTL gene. It does not change the encoded amino acid sequence of the FTL protein. This variant is present in population databases (no rsID available, gnomAD 0.03%). This variant has not been reported in the literature in individuals affected with FTL-related conditions. ClinVar contains an entry for this variant (Variation ID: 1415647). Experimental studies and prediction algorithms are not available or were not evaluated, and the functional significance of this variant is currently unknown. In summary, the available evidence is currently insufficient to determine the role of this variant in disease. Therefore, it has been classified as a Variant of Uncertain Significance.

NM_000146.4(FTL):c.-177C>T

Gene: FTL (ferritin light chain; plus strand). Cytogenetic location: 19q13.33.
Variant type: single nucleotide variant.
Coding change: c.-177C>T on transcript NM_000146.4 (MANE Select); 177 bases upstream of the start codon, C replaced by T.
Molecular consequence: 5 prime UTR variant.
Genome position (GRCh38, 1-based): chr19:48,965,331, C>T. VCF-style: chr19-48965331-C-T. GRCh37 (hg19) VCF-style: chr19-49468588-C-T.
Identifiers: ClinVar variation 1415647 (VCV001415647.6), dbSNP rs988614907, ClinGen allele CA309374931.